The following is an entry in ClinVar:

ClinVar aggregate classification (germline): Uncertain significance (1 of 4 stars; one submission).

Allele frequency attached by ClinVar (database versions not stated): gnomAD exomes below 0.00001; ExAC 0.00001; TOPMed 0.00002; gnomAD 0.00001; ESP Exome Variant Server 0.00008.
gnomAD v4.1: 5 of 1,614,042 alleles (0.00031%); highest among the groups gnomAD compares: Non-Finnish European, 0.00042%; no homozygotes.

Submission:

GeneDx
Classification: Uncertain significance. Last evaluated: 2019-12-18. Review status: criteria provided, single submitter. Criteria: GeneDx Variant Classification Process June 2021. Collection method: clinical testing. Allele origin: germline. Affected: yes.
Comment: Not observed at a significant frequency in large population cohorts (Lek et al., 2016); In silico analysis, which includes protein predictors and evolutionary conservation, supports that this variant does not alter protein structure/function; Has not been previously published as pathogenic or benign to our knowledge

NM_001243279.3(ACSF3):c.1305A>T (p.Glu435Asp)

Gene: ACSF3 (acyl-CoA synthetase family member 3; plus strand). Cytogenetic location: 16q24.3.
Variant type: single nucleotide variant.
Coding change: c.1305A>T on transcript NM_001243279.3 (MANE Select); coding-DNA position 1305, A replaced by T.
Protein change: p.Glu435Asp; replaces glutamic acid 435 with aspartic acid.
Molecular consequence: missense variant. On other transcripts: non-coding transcript variant (3).
Genome position (GRCh38, 1-based): chr16:89,133,201, A>T. VCF-style: chr16-89133201-A-T. GRCh37 (hg19) VCF-style: chr16-89199609-A-T.
Other names: c.1305A>T, p.Glu435Asp (NM_001127214.4, NM_174917.5); c.510A>T, p.Glu170Asp (NM_001284316.2); short protein forms E170D, E435D.
Identifiers: ClinVar variation 1303718 (VCV001303718.2), dbSNP rs375414491, ClinGen allele CA8238102.
Genomic context (GRCh38, chr16:89,133,201, plus strand): 5'-CCCAGGGTTTGAAGAAAAGGAGGGGGAGCTGCTGGTGAGGGGACCCTCCGTGTTTCGAGA[A>T]TACTGGAATAAACCAGAAGAAACTAAGAGTGCATTCACCCTGGATGGCTGGTTTAAGACA-3'
Protein context (NP_001230208.1, residues 425-445): LLVRGPSVFR[Glu435Asp]YWNKPEETKS